The following is an entry in ClinVar:

NM_001165963.4(SCN1A):c.4926G>C (p.Arg1642Ser)

Genes: SCN1A (sodium voltage-gated channel alpha subunit 1; minus strand), LOC102724058 (uncharacterized LOC102724058; plus strand). Cytogenetic location: 2q24.3.
Variant type: single nucleotide variant.
Coding change: c.4926G>C on transcript NM_001165963.4 (MANE Select); coding-DNA position 4926, G replaced by C.
Protein change: p.Arg1642Ser; replaces arginine 1642 with serine.
Molecular consequence: missense variant. On other transcripts: non-coding transcript variant (1).
Genome position (GRCh38, 1-based): chr2:165,992,349, C>G on the plus strand (G>C on the coding strand, the complement: SCN1A is on the minus strand). VCF-style: chr2-165992349-C-G. GRCh37 (hg19) VCF-style: chr2-166848859-C-G.
Other names: c.4842G>C, p.Arg1614Ser (NM_001165964.3, NM_001353957.2, NM_001353958.2); c.4926G>C, p.Arg1642Ser (NM_001202435.3, NM_001353948.2); c.4893G>C, p.Arg1631Ser (NM_001353949.2, NM_001353950.2, NM_001353951.2 and 2 more transcripts); c.4890G>C, p.Arg1630Ser (NM_001353954.2, NM_001353955.2); c.4839G>C, p.Arg1613Ser (NM_001353960.2); c.2484G>C, p.Arg828Ser (NM_001353961.2); short protein forms R1613S, R1614S, R1630S, R1631S, R1642S, R828S.
Identifiers: ClinVar variation 1457535 (VCV001457535.9), dbSNP rs1131691581, ClinGen allele CA349070174.
Genomic context (GRCh38, chr2:165,992,349, plus strand): 5'-AGCAAAGAGCAGCGTGCGGATCCCCTTTGCTCCTTTGATCAGACGTAGGATTCGGCCAAT[C>G]CTAGCAAGACGGATCACTCGGAACAGGGTAGGGGACACGAAATACTTTTCTATCAGCTCG-3'
Protein context (NP_001159435.1, residues 1632-1652): PTLFRVIRLA[Arg1642Ser]IGRILRLIKG

ClinVar aggregate classification (germline): Pathogenic (1 of 4 stars; one submission).

Conditions:
Early-infantile DEE. Also called: Early infantile epileptic encephalopathy; Ohtahara syndrome; Early infantile epileptic encephalopathy with suppression bursts. Identifiers: Orphanet 1934, MedGen C0393706, MONDO:0800491.

Submission:

Labcorp Genetics (formerly Invitae), Labcorp
Classification: Pathogenic for Early-infantile DEE. Last evaluated: 2020-11-24. Review status: criteria provided, single submitter. Criteria: Invitae Variant Classification Sherloc (09022015). Collection method: clinical testing. Allele origin: germline.
Comment: For these reasons, this variant has been classified as Pathogenic. This variant disrupts the p.Arg1642 amino acid residue in SCN1A. Other variant(s) that disrupt this residue have been determined to be pathogenic (PMID: 25459968, Invitae). This suggests that this residue is clinically significant, and that variants that disrupt this residue are likely to be disease-causing. Advanced modeling of protein sequence and biophysical properties (such as structural, functional, and spatial information, amino acid conservation, physicochemical variation, residue mobility, and thermodynamic stability) performed at Invitae indicates that this missense variant is expected to disrupt SCN1A protein function. This missense change has been observed in individual(s) with clinical features of SCN1A-related conditions (PMID: 23195492, 29655203). In at least one individual the variant was observed to be de novo. This variant is not present in population databases (ExAC no frequency). This sequence change replaces arginine with serine at codon 1642 of the SCN1A protein (p.Arg1642Ser). The arginine residue is highly conserved and there is a moderate physicochemical difference between arginine and serine.

Literature cited by the submitters: PubMed 25459968; PubMed 23195492; PubMed 29655203.